The following is an entry in ClinVar:

ClinVar aggregate classification (germline): Uncertain significance (1 of 4 stars; one submission).

Conditions:
Leigh syndrome (NULS). Also called: Leigh's necrotizing encephalopathy; Leigh's disease; Leigh's syndrome; LEIGH SYNDROME, NUCLEAR; Leigh Syndrome (mtDNA deletion); Leigh Disease. Identifiers: Orphanet 506, MedGen C2931891, MONDO:0009723, OMIM 256000.

Submission:

Wong Mito Lab, Molecular and Human Genetics, Baylor College of Medicine
Classification: Uncertain significance for Leigh syndrome. Last evaluated: 2019-10-17. Review status: criteria provided, single submitter. Criteria: Modified ACMG Guidelines (Unpublished). Collection method: clinical testing. Allele origin: germline.
Comment: The NC_012920.1:m.14523T>C (YP_003024037.1:p.Met51Val) variant in MTND6 gene is interpretated to be a Uncertain Significance variant based on the modified ACMG guidelines (unpublished). This variant meets the following evidence codes: PP7, BP4, BP5

NC_012920.1(MT-ND6):m.14523T>C

Gene: MT-ND6 (mitochondrially encoded NADH dehydrogenase 6; minus strand).
Variant type: single nucleotide variant.
Genome position: chrM-14523-T-C.
Identifiers: ClinVar variation 693731 (VCV000693731.1), dbSNP rs1603224780, ClinGen allele CA414822873.
Genomic context (GRCh38, chrMT:14,523, plus strand): 5'-TAGTATATCCAAAGACAACCATCATTCCCCCTAAATAAATTAAAAAAACTATTAAACCCA[T>C]ATAACCTCCCCCAAAATTCAGAATAATAACACACCCGACCACACCGCTAACAATCAATAC-3'